The following is an entry in ClinVar:

ClinVar aggregate classification (germline): Likely benign (1 of 4 stars; one submission).

Conditions:
Ehlers-Danlos syndrome, type 4 (EDSVASC). Also called: Ehlers-Danlos Syndrome Type IV; Ehlers-Danlos syndrome vascular type; Ehlers Danlos syndrome, ecchymotic type; Ehlers Danlos syndrome, arterial type; Ehlers Danlos syndrome, Sack-Barabas type. Identifiers: Orphanet 286, MedGen C0268338, MONDO:0017314, OMIM 130050.

Allele frequency attached by ClinVar (database versions not stated): TOPMed below 0.00001; gnomAD 0.00001.
gnomAD v4.1: 1 of 1,613,622 alleles (0.000062%); highest among the groups gnomAD compares: Non-Finnish European, 0.000085%; no homozygotes.

Submission:

All of Us Research Program, National Institutes of Health
Classification: Likely benign for Ehlers-Danlos syndrome, type 4. Last evaluated: 2023-11-20. Review status: criteria provided, single submitter. Criteria: ACMG Guidelines, 2015. Collection method: clinical testing. Allele origin: germline. Inheritance: Autosomal dominant inheritance. Observed: 1 variant allele, 1 heterozygote.
Comment: This study involves interpretation of variants in research participants for the purpose of population health screening. Participant phenotype was not available at the time of variant classification. Additional details can be found in publication PMID: 35346344, PMCID: PMC8962531

NM_000090.4(COL3A1):c.2769A>G (p.Lys923=)

Gene: COL3A1 (collagen type III alpha 1 chain; plus strand). Cytogenetic location: 2q32.2.
Variant type: single nucleotide variant.
Coding change: c.2769A>G on transcript NM_000090.4 (MANE Select); coding-DNA position 2769, A replaced by G.
Protein change: p.Lys923=; no amino-acid change (lysine 923 retained).
Molecular consequence: synonymous variant.
Genome position (GRCh38, 1-based): chr2:189,004,089, A>G. VCF-style: chr2-189004089-A-G. GRCh37 (hg19) VCF-style: chr2-189868815-A-G.
Identifiers: ClinVar variation 3074701 (VCV003074701.1), dbSNP rs1433394119, ClinGen allele CA430312048.